The following is an entry in ClinVar:

ClinVar aggregate classification (germline): Likely benign. Review status: criteria provided, multiple submitters, no conflicts (2 of 4 stars). 2 submissions from 2 submitters: Likely benign (2). Last evaluated 2025-12-22.

Conditions:
Familial infantile myasthenia (CMS6). Also called: MYASTHENIC SYNDROME, PRESYNAPTIC, CONGENITAL, ASSOCIATED WITH EPISODIC APNEA; Congenital myasthenic syndrome type 6; MYASTHENIC SYNDROME, CONGENITAL, 6, PRESYNAPTIC. Identifiers: Orphanet 590, MedGen C0393929, MONDO:0009689, OMIM 254210.

Allele frequency attached by ClinVar (database versions not stated): TOPMed 0.00001; gnomAD exomes 0.00002.
gnomAD v4.1: 35 of 1,612,240 alleles (0.0022%); highest among the groups gnomAD compares: Non-Finnish European, 0.0029%; no homozygotes.

Submissions (2):

Labcorp Genetics (formerly Invitae), Labcorp
Classification: Likely benign for Familial infantile myasthenia. Last evaluated: 2025-12-22. Review status: criteria provided, single submitter. Criteria: Invitae Variant Classification Sherloc (09022015). Collection method: clinical testing. Allele origin: germline.

GeneDx
Classification: Likely benign. Last evaluated: 2017-07-21. Review status: criteria provided, single submitter. Criteria: GeneDx Variant Classification (06012015). Collection method: clinical testing. Allele origin: germline. Affected: yes.
Comment: This variant is considered likely benign or benign based on one or more of the following criteria: it is a conservative change, it occurs at a poorly conserved position in the protein, it is predicted to be benign by multiple in silico algorithms, and/or has population frequency not consistent with disease.

NM_020549.5(CHAT):c.1839+12C>T

Gene: CHAT (choline O-acetyltransferase; plus strand). Cytogenetic location: 10q11.23.
Variant type: single nucleotide variant.
Coding change: c.1839+12C>T on transcript NM_020549.5 (MANE Select); 12 bases into the intron after coding-DNA position 1839, C replaced by T.
Molecular consequence: intron variant.
Genome position (GRCh38, 1-based): chr10:49,655,460, C>T. VCF-style: chr10-49655460-C-T. GRCh37 (hg19) VCF-style: chr10-50863506-C-T.
Other names: c.1485+12C>T (NM_020984.4, NM_020985.4, NM_020986.4 and 2 more transcripts); c.1593+12C>T (NM_001142933.2).
Identifiers: ClinVar variation 510899 (VCV000510899.4), dbSNP rs1554808562, ClinGen allele CA658797423.